The following is an entry in ClinVar:

ClinVar aggregate classification (germline): Likely benign (1 of 4 stars; one submission).

Submission:

CeGaT Center for Human Genetics Tuebingen
Classification: Likely benign. Last evaluated: 2025-10-01. Review status: criteria provided, single submitter. Criteria: CeGaT Center For Human Genetics Tuebingen Variant Classification Criteria Version 2. Collection method: clinical testing. Allele origin: germline. Affected: yes. Observed: 1 variant allele.
Comment: OR2A1: BP4, BP7

NM_001005287.2(OR2A1):c.660C>A (p.Ile220=)

Genes: OR2A1 (olfactory receptor family 2 subfamily A member 1; plus strand), OR2A1-AS1 (OR2A1 antisense RNA 1; minus strand). Cytogenetic location: 7q35.
Variant type: single nucleotide variant.
Coding change: c.660C>A on transcript NM_001005287.2 (MANE Select); coding-DNA position 660, C replaced by A.
Protein change: p.Ile220=; no amino-acid change (isoleucine 220 retained).
Molecular consequence: synonymous variant.
Genome position (GRCh38, 1-based): chr7:144,318,784, C>A. VCF-style: chr7-144318784-C-A. GRCh37 (hg19) VCF-style: chr7-144015877-C-A.
Identifiers: ClinVar variation 4535001 (VCV004535001.6).